The following is an entry in ClinVar:

NM_006904.7(PRKDC):c.728A>G (p.Gln243Arg)

Gene: PRKDC (protein kinase, DNA-activated, catalytic subunit; minus strand). Cytogenetic location: 8q11.21.
Variant type: single nucleotide variant.
Coding change: c.728A>G on transcript NM_006904.7 (MANE Select); coding-DNA position 728, A replaced by G.
Protein change: p.Gln243Arg; replaces glutamine 243 with arginine.
Molecular consequence: missense variant.
Genome position (GRCh38, 1-based): chr8:47,944,023, T>C on the plus strand (A>G on the coding strand, the complement: PRKDC is on the minus strand). VCF-style: chr8-47944023-T-C. GRCh37 (hg19) VCF-style: chr8-48856583-T-C.
Other names: c.728A>G, p.Gln243Arg (NM_001081640.2); short protein forms Q243R.
Identifiers: ClinVar variation 3225903 (VCV003225903.1), dbSNP rs2551880825, ClinGen allele CA371136735.
Genomic context (GRCh38, chr8:47,944,023, plus strand): 5'-ATTAATCCTACCTGAGGACGAATTGCCTTTAGTACAAAATTAAAAATCTCCCTTGAAGTC[T>C]GGGGATCTAGGGAAATACCAAGAAGCCTGTTACAAATCGTAATAACAGTATCACATAACA-3'
Protein context (NP_008835.5, residues 233-253): NFTKSMEEDP[Gln243Arg]TSREIFNFVL

ClinVar aggregate classification (germline): Uncertain significance (1 of 4 stars; one submission).

Submission:

Ambry Genetics
Classification: Uncertain significance. Last evaluated: 2024-02-23. Review status: criteria provided, single submitter. Criteria: Ambry Variant Classification Scheme 2023. Collection method: clinical testing. Allele origin: germline.
Comment: The p.Q243R variant (also known as c.728A>G), located in coding exon 8 of the PRKDC gene, results from an A to G substitution at nucleotide position 728. The glutamine at codon 243 is replaced by arginine, an amino acid with highly similar properties. This amino acid position is conserved. In addition, this alteration is predicted to be tolerated by in silico analysis. Based on the available evidence, the clinical significance of this alteration remains unclear.